The following is an entry in ClinVar:

ClinVar aggregate classification (germline): Uncertain significance. Review status: criteria provided, multiple submitters, no conflicts (2 of 4 stars). 2 submissions from 2 submitters: Uncertain significance (2). Last evaluated 2025-11-08.

Conditions:
Hereditary cancer-predisposing syndrome. Also called: Neoplastic Syndromes, Hereditary; Tumor predisposition; Hereditary neoplastic syndrome; Hereditary Cancer Syndrome. Identifiers: Orphanet 140162, MedGen C0027672, MeSH D009386, MONDO:0015356.
Familial cancer of breast. Also called: hereditary breast carcinoma; Hereditary breast cancer; BREAST CANCER, FAMILIAL. Identifiers: Orphanet 227535, MedGen C0346153, MONDO:0016419, OMIM 114480. Disease mechanism: loss of function.

Submissions (2):

Ambry Genetics
Classification: Uncertain significance for Hereditary cancer-predisposing syndrome. Last evaluated: 2025-11-08. Review status: criteria provided, single submitter. Criteria: Ambry Variant Classification Scheme 2023. Collection method: clinical testing. Allele origin: germline.
Comment: The p.A421T variant (also known as c.1261G>A), located in coding exon 4 of the BARD1 gene, results from a G to A substitution at nucleotide position 1261. The alanine at codon 421 is replaced by threonine, an amino acid with similar properties. This amino acid position is conserved. In addition, this alteration is predicted to be tolerated by in silico analysis. Based on the available evidence, the clinical significance of this variant remains unclear.

Labcorp Genetics (formerly Invitae), Labcorp
Classification: Uncertain significance for Familial cancer of breast. Last evaluated: 2023-11-16. Review status: criteria provided, single submitter. Criteria: Invitae Variant Classification Sherloc (09022015). Collection method: clinical testing. Allele origin: germline.
Comment: This sequence change replaces alanine, which is neutral and non-polar, with threonine, which is neutral and polar, at codon 421 of the BARD1 protein (p.Ala421Thr). This variant is not present in population databases (gnomAD no frequency). This variant has not been reported in the literature in individuals affected with BARD1-related conditions. ClinVar contains an entry for this variant (Variation ID: 1351990). Algorithms developed to predict the effect of missense changes on protein structure and function output the following: SIFT: "Not Available"; PolyPhen-2: "Benign"; Align-GVGD: "Not Available". The threonine amino acid residue is found in multiple mammalian species, which suggests that this missense change does not adversely affect protein function. In summary, the available evidence is currently insufficient to determine the role of this variant in disease. Therefore, it has been classified as a Variant of Uncertain Significance.

NM_000465.4(BARD1):c.1261G>A (p.Ala421Thr)

Gene: BARD1 (BRCA1 associated RING domain 1; minus strand). Cytogenetic location: 2q35.
Variant type: single nucleotide variant.
Coding change: c.1261G>A on transcript NM_000465.4 (MANE Select); coding-DNA position 1261, G replaced by A.
Protein change: p.Ala421Thr; replaces alanine 421 with threonine.
Molecular consequence: missense variant. On other transcripts: non-coding transcript variant (2), intron variant (3).
Genome position (GRCh38, 1-based): chr2:214,780,613, C>T on the plus strand (G>A on the coding strand, the complement: BARD1 is on the minus strand). VCF-style: chr2-214780613-C-T. GRCh37 (hg19) VCF-style: chr2-215645337-C-T.
Other names: c.1204G>A, p.Ala402Thr (NM_001282543.2); c.159-28058G>A (NM_001282548.2); c.215+16448G>A (NM_001282545.2); c.364+11684G>A (NM_001282549.2); c.1261G>A (NM_000465.2); short protein forms A421T, A402T.
Identifiers: ClinVar variation 1351990 (VCV001351990.11), dbSNP rs2106107801, ClinGen allele CA350453506.
Genomic context (GRCh38, chr2:214,780,613, plus strand): 5'-ATCCTACCTTAATAGAAGCAATATGGAGCAAAGTCTCTCCTCTATGATTTCTTTTCACAG[C>T]CATATTGGGCAACAGCTTCATTGCTGAGGGACTAGACATCACTCGCCTGTAACTTGAACT-3'
Protein context (NP_000456.2, residues 411-431): PSAMKLLPNM[Ala421Thr]VKRNHRGETL